The following is an entry in ClinVar:

ClinVar aggregate classification (germline): Likely benign (1 of 4 stars; one submission).

Conditions:
Intellectual disability-facial dysmorphism syndrome due to SETD5 haploinsufficiency (MRD23). Also called: Intellectual developmental disorder, autosomal dominant 23. Identifiers: Orphanet 404440, MedGen C3810406, MONDO:0014336, OMIM 615761.

Submission:

Centre for Medical Genetics,  Mumbai
Classification: Likely benign for Intellectual disability-facial dysmorphism syndrome due to SETD5 haploinsufficiency. Last evaluated: 2026-02-02. Review status: criteria provided, single submitter. Criteria: ACMG Guidelines, 2015. Collection method: provider interpretation. Allele origin: germline. Inheritance: Autosomal dominant inheritance. Affected: no. Observed: 1 heterozygote.
Comment: The variant satisfies PM2 criteria; Extremely low frequency in gnomAD population databases. However, the variant satisfies BS2 criteria.

Literature cited by the submitters: PubMed 24680889.

NM_001080517.3(SETD5):c.2425T>C (p.Tyr809His)

Gene: SETD5 (SET domain containing 5; plus strand). Cytogenetic location: 3p25.3.
Variant type: single nucleotide variant.
Coding change: c.2425T>C on transcript NM_001080517.3 (MANE Select); coding-DNA position 2425, T replaced by C.
Protein change: p.Tyr809His; replaces tyrosine 809 with histidine.
Molecular consequence: missense variant.
Genome position (GRCh38, 1-based): chr3:9,453,817, T>C. VCF-style: chr3-9453817-T-C. GRCh37 (hg19) VCF-style: chr3-9495501-T-C.
Other names: c.2131T>C, p.Tyr711His (NM_001292043.2, NM_001349451.2); c.2521T>C, p.Tyr841His (NM_001437633.1); c.2482T>C, p.Tyr828His (NM_001437635.1); c.2425T>C, p.Tyr809His (NM_001437643.1); c.2464T>C, p.Tyr822His (NM_001437701.1); short protein forms Y711H, Y809H, Y822H, Y828H, Y841H.
Identifiers: ClinVar variation 4688070 (VCV004688070.1).